The following is an entry in ClinVar:

NM_007194.4(CHEK2):c.341G>A (p.Trp114Ter)

Gene: CHEK2 (checkpoint kinase 2; minus strand). Cytogenetic location: 22q12.1.
Variant type: single nucleotide variant.
Coding change: c.341G>A on transcript NM_007194.4 (MANE Select); coding-DNA position 341, G replaced by A.
Protein change: p.Trp114Ter; replaces tryptophan 114 with a stop codon.
Molecular consequence: nonsense.
Genome position (GRCh38, 1-based): chr22:28,725,346, C>T on the plus strand (G>A on the coding strand, the complement: CHEK2 is on the minus strand). VCF-style: chr22-28725346-C-T. GRCh37 (hg19) VCF-style: chr22-29121334-C-T.
Other names: c.470G>A, p.Trp157Ter (NM_001005735.3); c.-437G>A (NM_001257387.3); c.341G>A, p.Trp114Ter (NM_001349956.3, NM_145862.3); short protein forms W114*, W157*.
Identifiers: ClinVar variation 560005 (VCV000560005.8), dbSNP rs1555927374, ClinGen allele CA411108225.

ClinVar aggregate classification (germline): Pathogenic. Review status: criteria provided, multiple submitters, no conflicts (2 of 4 stars). 4 submissions from 4 submitters: Pathogenic (4). Last evaluated 2025-09-30.

Conditions:
Familial cancer of breast. Also called: hereditary breast carcinoma; Hereditary breast cancer; BREAST CANCER, FAMILIAL. Identifiers: Orphanet 227535, MedGen C0346153, MONDO:0016419, OMIM 114480. Disease mechanism: loss of function.
Sarcoma. Identifiers: MedGen C1261473, MONDO:0005089, HP:0100242.
Hereditary cancer-predisposing syndrome. Also called: Hereditary neoplastic syndrome; Neoplastic Syndromes, Hereditary; Tumor predisposition; Hereditary Cancer Syndrome. Identifiers: Orphanet 140162, MedGen C0027672, MeSH D009386, MONDO:0015356.

Submissions (4):

Color Diagnostics, LLC DBA Color Health
Classification: Pathogenic for Hereditary cancer-predisposing syndrome. Last evaluated: 2025-09-30. Review status: criteria provided, single submitter. Criteria: ACMG Guidelines, 2015. Collection method: clinical testing. Allele origin: germline.
Comment: This variant changes 1 nucleotide in exon 3 of the CHEK2 gene, creating a premature translation stop signal. This variant is expected to result in an absent or non-functional protein product. To our knowledge, this variant has not been reported in individuals affected with CHEK2-related disorders in the literature. This variant has not been identified in the general population by the Genome Aggregation Database (gnomAD). Loss of CHEK2 function is a known mechanism of disease. Based on the available evidence, this variant is classified as Pathogenic.

Labcorp Genetics (formerly Invitae), Labcorp
Classification: Pathogenic for Familial cancer of breast. Last evaluated: 2025-05-22. Review status: criteria provided, single submitter. Criteria: Invitae Variant Classification Sherloc (09022015). Collection method: clinical testing. Allele origin: germline.
Comment: This sequence change creates a premature translational stop signal (p.Trp114*) in the CHEK2 gene. It is expected to result in an absent or disrupted protein product. Loss-of-function variants in CHEK2 are known to be pathogenic (PMID: 21876083, 24713400). This variant is not present in population databases (gnomAD no frequency). This variant has not been reported in the literature in individuals affected with CHEK2-related conditions. ClinVar contains an entry for this variant (Variation ID: 560005). For these reasons, this variant has been classified as Pathogenic.

Myriad Genetics, Inc.
Classification: Pathogenic for Familial cancer of breast. Last evaluated: 2023-06-23. Review status: criteria provided, single submitter. Criteria: Myriad Autosomal Dominant, Autosomal Recessive and X-Linked Classification Criteria (2023). Collection method: clinical testing. Allele origin: unknown.
Comment: This variant is considered pathogenic. This variant creates a termination codon and is predicted to result in premature protein truncation.

3DMed Clinical Laboratory Inc
Classification: Pathogenic for Sarcoma. Last evaluated: 2017-07-06. Review status: criteria provided, single submitter. Criteria: ACMG Guidelines, 2015. Collection method: clinical testing. Allele origin: germline. Affected: yes.

Literature cited by the submitters: PubMed 21876083 (cited by Labcorp Genetics (formerly Invitae), Labcorp); PubMed 24713400 (cited by Labcorp Genetics (formerly Invitae), Labcorp); PubMed 15145354 (cited by 3DMed Clinical Laboratory Inc).